The following is an entry in ClinVar:

NM_002691.4(POLD1):c.612_613del (p.His204fs)

Gene: POLD1 (DNA polymerase delta 1, catalytic subunit; plus strand). Cytogenetic location: 19q13.33.
Variant type: Deletion.
Coding change: c.612_613del on transcript NM_002691.4 (MANE Select); coding-DNA positions 612 to 613, 2 bases deleted (CG; older notation c.612_613delCG).
Protein change: p.His204fs; shifts the reading frame from histidine 204.
Molecular consequence: frameshift variant. On other transcripts: non-coding transcript variant (1).
Genome position (GRCh38, 1-based): chr19:50,402,227-50,402,228, CG deleted. VCF-style (leftmost placement, unchanged base first): chr19-50402226-ACG-A. GRCh37 (hg19) VCF-style: chr19-50905483-ACG-A.
Other names: c.612_613del, p.His204fs (NM_001256849.1, NM_001308632.1, NM_001438210.1 and 3 more transcripts); short protein forms H204fs.
Identifiers: ClinVar variation 4703726 (VCV004703726.1).

ClinVar aggregate classification (germline): Uncertain significance (1 of 4 stars; one submission).

Conditions:
POLD1-related polyposis and colorectal cancer syndrome (CRCS10). Also called: COLORECTAL CANCER, SUSCEPTIBILITY TO, ON CHROMOSOME 19q; Colorectal cancer 10; Colorectal cancer, susceptibility to, 10. Identifiers: Orphanet 220460, MedGen C2675481, MONDO:0012953, OMIM 612591.

Submission:

Labcorp Genetics (formerly Invitae), Labcorp
Classification: Uncertain significance for POLD1-related polyposis and colorectal cancer syndrome. Last evaluated: 2025-04-22. Review status: criteria provided, single submitter. Criteria: Invitae Variant Classification Sherloc (09022015). Collection method: clinical testing. Allele origin: germline.
Comment: This sequence change creates a premature translational stop signal (p.His204Glnfs*47) in the POLD1 gene. Missense variants that disrupt the 3'-5' exonuclease (proof-reading) activity of the POLD1 protein are associated with PPAP (polymerase proofreading–associated polyposis) (PMID: 23263490, 23447401). However, loss-of-function variants that result in an absent or severely disrupted POLD1 protein, and missense variants outside the exonuclease domain, are unlikely to be associated with PPAP. This variant is not present in population databases (gnomAD no frequency). This variant has not been reported in the literature in individuals affected with POLD1-related conditions. In summary, the available evidence is currently insufficient to determine the role of this variant in disease. Therefore, it has been classified as a Variant of Uncertain Significance.

Literature cited by the submitters: PubMed 23263490; PubMed 23447401.